The following is an entry in ClinVar:

ClinVar aggregate classification (germline): Uncertain significance (1 of 4 stars; one submission).

Conditions:
Cornelia de Lange syndrome 4 (CDLS4). Also called: RAD21-Related Cornelia de Lange Syndrome; CORNELIA DE LANGE SYNDROME 4 WITH OR WITHOUT MIDLINE BRAIN DEFECTS. Identifiers: Orphanet 199, MedGen C3553517, MONDO:0013864, OMIM 614701.

Submission:

3billion
Classification: Uncertain significance for Cornelia de Lange syndrome 4. Last evaluated: 2025-08-19. Review status: criteria provided, single submitter. Criteria: ACMG Guidelines, 2015. Collection method: clinical testing. Allele origin: germline. Affected: yes.
Comment: The variant is not observed in the gnomAD v4.1.0 dataset. Predicted Consequence/Location: Intron variant In silico tools predict the variant to alter splicing and produce an abnormal transcript [SpliceAI: 0.20 (>=0.2, moderate evidence for spliceogenicity)]. Therefore, this variant is classified as VUS according to the recommendation of ACMG/AMP guideline.

NM_006265.3(RAD21):c.144+1286A>G

Gene: RAD21 (RAD21 cohesin complex component; minus strand). Cytogenetic location: 8q24.11.
Variant type: single nucleotide variant.
Coding change: c.144+1286A>G on transcript NM_006265.3 (MANE Select); 1286 bases into the intron after coding-DNA position 144, A replaced by G.
Molecular consequence: intron variant.
Genome position (GRCh38, 1-based): chr8:116,865,300, T>C on the plus strand (A>G on the coding strand, the complement: RAD21 is on the minus strand). VCF-style: chr8-116865300-T-C. GRCh37 (hg19) VCF-style: chr8-117877539-T-C.
Identifiers: ClinVar variation 4853944 (VCV004853944.1).
Genomic context (GRCh38, chr8:116,865,300, plus strand): 5'-TCAGATTGTCTCATACTCGTTTGTAGTGTCCCTAAAGTGGCACAAAGTACTCGGTACATA[T>C]CATGAAAAAAATCTGTTATCCTTTTAAGCCACTCAATATTTGCTTACGGATGTTAAAGAT-3'